The following is an entry in ClinVar:

NM_001037.5(SCN1B):c.437T>C (p.Val146Ala)

Gene: SCN1B (sodium voltage-gated channel beta subunit 1; plus strand). Cytogenetic location: 19q13.11.
Variant type: single nucleotide variant.
Coding change: c.437T>C on transcript NM_001037.5 (MANE Select); coding-DNA position 437, T replaced by C.
Protein change: p.Val146Ala; replaces valine 146 with alanine.
Molecular consequence: missense variant.
Genome position (GRCh38, 1-based): chr19:35,033,728, T>C. VCF-style: chr19-35033728-T-C. GRCh37 (hg19) VCF-style: chr19-35524632-T-C.
Other names: c.338T>C, p.Val113Ala (NM_001321605.2); c.437T>C, p.Val146Ala (NM_199037.5); short protein forms V113A, V146A.
Identifiers: ClinVar variation 4854302 (VCV004854302.1).
Genomic context (GRCh38, chr19:35,033,728, plus strand): 5'-TGCTCTTCTTCGAAAACTACGAGCACAACACCAGCGTCGTCAAGAAGATCCACATTGAGG[T>C]AGTGGACAAAGGTGAGTCGGGTGCTGCCTGCCCCTTTACCGTCACCCACCGGAGAGCCAG-3'
Protein context (NP_001028.1, residues 136-156): TSVVKKIHIE[Val146Ala]VDKANRDMAS

ClinVar aggregate classification (germline): Uncertain significance (1 of 4 stars; one submission).

Conditions:
Brugada syndrome 5 (BRGDA5). Identifiers: Orphanet 130, Orphanet 871, MedGen C2748541, MONDO:0013015, OMIM 612838.

Submission:

3billion
Classification: Uncertain significance for Brugada syndrome 5. Last evaluated: 2025-07-02. Review status: criteria provided, single submitter. Criteria: ACMG Guidelines, 2015. Collection method: clinical testing. Allele origin: germline. Affected: yes.
Comment: The variant is not observed in the gnomAD v4.1.0 dataset. Predicted Consequence/Location: Missense variant In silico tool predictions suggest damaging effect of the variant on gene or gene product [REVEL: 0.89 (>=0.6, sensitivity 0.68 and specificity 0.92)]. Therefore, this variant is classified as VUS according to the recommendation of ACMG/AMP guideline.